The following is an entry in ClinVar:

ClinVar aggregate classification (germline): Conflicting classifications of pathogenicity. Review status: criteria provided, conflicting classifications (1 of 4 stars). 8 submissions from 8 submitters: Uncertain significance (1); Benign (3); Likely benign (1). 3 of the submissions do not count toward it. Last evaluated 2026-03-03.

Conditions:
IMPDH1-related disorder. Also called: IMPDH1-related condition; IMPDH1-related disorders.
Retinal dystrophy. Also called: Inherited retinal dystrophy. Identifiers: Orphanet 71862, MedGen C0854723, MeSH D058499, MONDO:0019118, HP:0000556.
Leber congenital amaurosis 11 (LCA11). Identifiers: Orphanet 65, MedGen C1840284, MONDO:0013454, OMIM 613837.

Allele frequency attached by ClinVar (database versions not stated): TOPMed 0.00009; 1000 Genomes Project 30x 0.00031; gnomAD 0.00038; 1000 Genomes Project 0.00040; ExAC 0.00052; gnomAD exomes 0.00064.
gnomAD v4.1: 455 of 1,614,056 alleles (0.028%); highest among the groups gnomAD compares: Admixed American, 0.015%; no homozygotes.

Submissions (8):

PreventionGenetics, part of Exact Sciences
Classification: Likely benign for IMPDH1-related condition. Last evaluated: 2026-03-03. Review status: criteria provided, single submitter. Criteria: ACMG Guidelines, 2015. Collection method: clinical testing. Allele origin: germline.
Comment: This variant is classified as likely benign based on ACMG/AMP sequence variant interpretation guidelines (Richards et al. 2015 PMID: 25741868, with internal and published modifications).

Labcorp Genetics (formerly Invitae), Labcorp
Classification: Benign. Last evaluated: 2025-06-24. Review status: criteria provided, single submitter. Criteria: Invitae Variant Classification Sherloc (09022015). Collection method: clinical testing. Allele origin: germline.

Blueprint Genetics
Classification: Benign. Last evaluated: 2024-10-09. Review status: criteria provided, single submitter. Criteria: ACMG Guidelines, 2015. Collection method: clinical testing. Allele origin: germline.

Dept Of Ophthalmology, Nagoya University
Classification: Benign for Retinal dystrophy. Last evaluated: 2023-10-01. Review status: criteria provided, single submitter. Criteria: Submitter's publication. Collection method: research. Allele origin: germline. Affected: yes.

Illumina Laboratory Services, Illumina
Classification: Uncertain significance for Leber congenital amaurosis 11. Last evaluated: 2018-11-27. Review status: criteria provided, single submitter. Criteria: ICSL Variant Classification Criteria 13 December 2019. Collection method: clinical testing. Allele origin: germline.
Comment: This variant was observed as part of a predisposition screen in an ostensibly healthy population. A literature search was performed for the gene, cDNA change, and amino acid change (where applicable). Publications were found based on this search. However, the evidence from the literature, in combination with allele frequency data from public databases where available, was not sufficient to rule this variant in or out of causing disease. Therefore, this variant is classified as a variant of unknown significance.

OMIM
Classification: Pathogenic for LEBER CONGENITAL AMAUROSIS 11. Last evaluated: 2006-01-01. Review status: no assertion criteria provided. Collection method: literature only. Allele origin: germline. Not counted in ClinVar's aggregate classification.

Clinical Genetics DNA and cytogenetics Diagnostics Lab, Erasmus MC, Erasmus Medical Center
Classification: Uncertain significance. Review status: no assertion criteria provided. Collection method: clinical testing. Allele origin: germline. Affected: yes. Study: VKGL Data-share Consensus. Not counted in ClinVar's aggregate classification.

Joint Genome Diagnostic Labs from Nijmegen and Maastricht, Radboudumc and MUMC+
Classification: Uncertain significance. Review status: no assertion criteria provided. Collection method: clinical testing. Allele origin: germline. Affected: yes. Study: VKGL Data-share Consensus. Not counted in ClinVar's aggregate classification.

Literature cited by the submitters: PubMed 20238057 (cited by Illumina Laboratory Services, Illumina); PubMed 16384941 (cited by Illumina Laboratory Services, Illumina and OMIM); PubMed 19480389 (cited by Illumina Laboratory Services, Illumina); PubMed 26558346 (cited by Illumina Laboratory Services, Illumina); PubMed 17851563 (cited by Illumina Laboratory Services, Illumina).

NM_000883.4(IMPDH1):c.568C>T (p.Arg190Trp)

Gene: IMPDH1 (inosine monophosphate dehydrogenase 1; minus strand). Cytogenetic location: 7q32.1.
Variant type: single nucleotide variant.
Coding change: c.568C>T on transcript NM_000883.4 (MANE Select); coding-DNA position 568, C replaced by T.
Protein change: p.Arg190Trp; replaces arginine 190 with tryptophan.
Molecular consequence: missense variant. On other transcripts: intron variant (2).
Genome position (GRCh38, 1-based): chr7:128,400,828, G>A on the plus strand (C>T on the coding strand, the complement: IMPDH1 is on the minus strand). VCF-style: chr7-128400828-G-A. GRCh37 (hg19) VCF-style: chr7-128040882-G-A.
Other names: c.538C>T, p.Arg180Trp (NM_001102605.2); c.313C>T, p.Arg105Trp (NM_001142573.2); c.469C>T, p.Arg157Trp (NM_001142576.2); c.361C>T, p.Arg121Trp (NM_001304521.2); c.460C>T, p.Arg154Trp (NM_183243.3); c.249+187C>T (NM_001142575.2); c.309+4C>T (NM_001142574.2); short protein forms R105W, R154W, R157W, R180W, R190W, R121W.
Identifiers: ClinVar variation 14837 (VCV000014837.21), dbSNP rs121912553, ClinGen allele CA124376.
Genomic context (GRCh38, chr7:128,400,828, plus strand): 5'-GGTGGGGACTGCCAGGTGGCATCTTGCTGGGGACAGGCCTGGTACTTGCCTTGACCTTCC[G>A]CACCTCGTTGGCCTGGAACTCTGGGGTGCAGTTGTGGTGAATGAAACCAATACCTCCCAT-3'
Protein context (NP_000874.2, residues 180-200): CTPEFQANEV[Arg190Trp]KVKKFEQGFI